The following is an entry in ClinVar:

ClinVar aggregate classification (germline): Pathogenic (1 of 4 stars; one submission).

Submission:

Labcorp Genetics (formerly Invitae), Labcorp
Classification: Pathogenic. Last evaluated: 2025-03-17. Review status: criteria provided, single submitter. Criteria: Invitae Variant Classification Sherloc (09022015). Collection method: clinical testing. Allele origin: germline.
Comment: This sequence change creates a premature translational stop signal (p.Glu6253*) in the ADGRV1 gene. While this is not anticipated to result in nonsense mediated decay, it is expected to disrupt the last 54 amino acid(s) of the ADGRV1 protein. This variant is not present in population databases (gnomAD no frequency). This variant has not been reported in the literature in individuals affected with ADGRV1-related conditions. ClinVar contains an entry for this variant (Variation ID: 2127344). Algorithms developed to predict the effect of sequence changes on RNA splicing suggest that this variant may disrupt the consensus splice site. This variant disrupts a region of the ADGRV1 protein in which other variant(s) (p.Leu6261Ser) have been determined to be pathogenic (PMID: 22135276; internal data). This suggests that this is a clinically significant region of the protein, and that variants that disrupt it are likely to be disease-causing. For these reasons, this variant has been classified as Pathogenic.

Literature cited by the submitters: PubMed 22135276.

NM_032119.4(ADGRV1):c.18757G>T (p.Glu6253Ter)

Gene: ADGRV1 (adhesion G protein-coupled receptor V1; plus strand). Cytogenetic location: 5q14.3.
Variant type: single nucleotide variant.
Coding change: c.18757G>T on transcript NM_032119.4 (MANE Select); coding-DNA position 18757, G replaced by T.
Protein change: p.Glu6253Ter; replaces glutamic acid 6253 with a stop codon.
Molecular consequence: nonsense. On other transcripts: non-coding transcript variant (1).
Genome position (GRCh38, 1-based): chr5:91,153,353, G>T. VCF-style: chr5-91153353-G-T. GRCh37 (hg19) VCF-style: chr5-90449170-G-T.
Other names: short protein forms E6253*.
Identifiers: ClinVar variation 2127344 (VCV002127344.4), dbSNP rs2533413737, ClinGen allele CA360432721.